The following is an entry in ClinVar:

ClinVar aggregate classification (germline): Uncertain significance (1 of 4 stars; one submission).

Conditions:
Hereditary sensory and autonomic neuropathy type 6. Also called: HSAN VI; Neuropathy, hereditary sensory and autonomic, type VI. Identifiers: Orphanet 314381, MedGen C3539003, MONDO:0013839, OMIM 614653.
Epidermolysis bullosa simplex 3, localized or generalized intermediate, with BP230 deficiency (EBS3). Also called: Epidermolysis bullosa simplex, autosomal recessive 2; Epidermolysis bullosa simplex due to BP230 deficiency. Identifiers: Orphanet 412181, MedGen C3809470, MONDO:0014180, OMIM 615425.

gnomAD v4.1: 3 of 1,601,348 alleles (0.00019%); highest among the groups gnomAD compares: Non-Finnish European, 0.00026%; no homozygotes.

Submission:

Labcorp Genetics (formerly Invitae), Labcorp
Classification: Uncertain significance for Epidermolysis bullosa simplex 3, localized or generalized intermediate, with BP230 deficiency; Hereditary sensory and autonomic neuropathy type 6. Last evaluated: 2023-01-14. Review status: criteria provided, single submitter. Criteria: Invitae Variant Classification Sherloc (09022015). Collection method: clinical testing. Allele origin: germline.
Comment: The DST gene has multiple clinically relevant transcripts. This variant occurs in alternate transcript NM_015548.4, and corresponds to NM_001723.5:c.*83025G>A in the primary transcript. This sequence change replaces aspartic acid, which is acidic and polar, with asparagine, which is neutral and polar, at codon 3031 of the DST protein (p.Asp3031Asn). In summary, the available evidence is currently insufficient to determine the role of this variant in disease. Therefore, it has been classified as a Variant of Uncertain Significance. Experimental studies and prediction algorithms are not available or were not evaluated, and the functional significance of this variant is currently unknown. This variant has not been reported in the literature in individuals affected with DST-related conditions. This variant is not present in population databases (gnomAD no frequency).

NM_001374736.1(DST):c.16960G>A (p.Asp5654Asn)

Gene: DST (dystonin; minus strand). Cytogenetic location: 6p12.1.
Variant type: single nucleotide variant.
Coding change: c.16960G>A on transcript NM_001374736.1 (MANE Select); coding-DNA position 16960, G replaced by A.
Protein change: p.Asp5654Asn; replaces aspartic acid 5654 with asparagine.
Molecular consequence: missense variant.
Genome position (GRCh38, 1-based): chr6:56,532,492, C>T on the plus strand (G>A on the coding strand, the complement: DST is on the minus strand). VCF-style: chr6-56532492-C-T. GRCh37 (hg19) VCF-style: chr6-56397290-C-T.
Other names: c.10603G>A, p.Asp3535Asn (NM_001144769.5); c.10189G>A, p.Asp3397Asn (NM_001144770.2); c.16960G>A, p.Asp5654Asn (NM_001374722.1); c.16327G>A, p.Asp5443Asn (NM_001374729.1); c.10069G>A, p.Asp3357Asn (NM_001374730.1, NM_001386100.1, NM_183380.4); c.16987G>A, p.Asp5663Asn (NM_001374734.1); c.9091G>A, p.Asp3031Asn (NM_015548.5); short protein forms D3357N, D3397N, D3535N, D5654N, D5663N, D3031N, D5443N.
Identifiers: ClinVar variation 2927892 (VCV002927892.3), dbSNP rs747010456, ClinGen allele CA364510296.